The following is an entry in ClinVar:

ClinVar aggregate classification (germline): Likely pathogenic (1 of 4 stars; one submission).

Submission:

Labcorp Genetics (formerly Invitae), Labcorp
Classification: Likely pathogenic. Last evaluated: 2023-12-12. Review status: criteria provided, single submitter. Criteria: Invitae Variant Classification Sherloc (09022015). Collection method: clinical testing. Allele origin: germline.
Comment: This sequence change affects an acceptor splice site in intron 2 of the AQP2 gene. It is expected to disrupt RNA splicing. Variants that disrupt the donor or acceptor splice site typically lead to a loss of protein function (PMID: 16199547), and loss-of-function variants in AQP2 are known to be pathogenic (PMID: 9024277, 27156763). This variant is not present in population databases (gnomAD no frequency). This variant has not been reported in the literature in individuals affected with AQP2-related conditions. Algorithms developed to predict the effect of sequence changes on RNA splicing suggest that this variant may disrupt the consensus splice site. In summary, the currently available evidence indicates that the variant is pathogenic, but additional data are needed to prove that conclusively. Therefore, this variant has been classified as Likely Pathogenic.

Literature cited by the submitters: PubMed 16199547; PubMed 9024277; PubMed 27156763.

NM_000486.6(AQP2):c.526-2A>G

Genes: AQP2 (aquaporin 2; plus strand), AQP5-AS1 (AQP5 and AQP2 antisense RNA 2; minus strand). Cytogenetic location: 12q13.12.
Variant type: single nucleotide variant.
Coding change: c.526-2A>G on transcript NM_000486.6 (MANE Select); the canonical splice acceptor site of the intron before coding-DNA position 526, A replaced by G.
Molecular consequence: splice acceptor variant.
Genome position (GRCh38, 1-based): chr12:49,954,628, A>G. VCF-style: chr12-49954628-A-G. GRCh37 (hg19) VCF-style: chr12-50348411-A-G.
Identifiers: ClinVar variation 2702567 (VCV002702567.3), dbSNP rs2547998388, ClinGen allele CA384774501.